The following is an entry in ClinVar:

ClinVar aggregate classification (germline): Uncertain significance. Review status: criteria provided, single submitter (1 of 4 stars). 2 submissions from 2 submitters: Uncertain significance (1). 1 of the submissions does not count toward it. Last evaluated 2024-10-07.

Conditions:
3-methylcrotonyl-CoA carboxylase 2 deficiency. Also called: METHYLCROTONYLGLYCINURIA, TYPE II; 3 alpha methylcrotonyl-CoA carboxylase 2 deficiency; 3 alpha methylcrotonylglycinuria 2; MCC 2 deficiency; Methylcrotonylglycinuria type 2. Identifiers: Orphanet 6, MedGen C1859499, MONDO:0008862, OMIM 210210.

gnomAD v4.1: 1 of 1,613,906 alleles (0.000062%); no homozygotes.

Submissions (2):

Labcorp Genetics (formerly Invitae), Labcorp
Classification: Uncertain significance for 3-methylcrotonyl-CoA carboxylase 2 deficiency. Last evaluated: 2024-10-07. Review status: criteria provided, single submitter. Criteria: Invitae Variant Classification Sherloc (09022015). Collection method: clinical testing. Allele origin: germline.
Comment: This sequence change replaces alanine, which is neutral and non-polar, with valine, which is neutral and non-polar, at codon 524 of the MCCC2 protein (p.Ala524Val). This variant is not present in population databases (gnomAD no frequency). This variant has not been reported in the literature in individuals affected with MCCC2-related conditions. Invitae Evidence Modeling of protein sequence and biophysical properties (such as structural, functional, and spatial information, amino acid conservation, physicochemical variation, residue mobility, and thermodynamic stability) indicates that this missense variant is expected to disrupt MCCC2 protein function with a positive predictive value of 80%. Algorithms developed to predict the effect of sequence changes on RNA splicing suggest that this variant may create or strengthen a splice site. In summary, the available evidence is currently insufficient to determine the role of this variant in disease. Therefore, it has been classified as a Variant of Uncertain Significance.

Natera, Inc.
Classification: Uncertain significance for 3-methylcrotonyl-CoA carboxylase 2 deficiency. Last evaluated: 2025-03-17. Review status: no assertion criteria provided. Collection method: clinical testing. Allele origin: germline. Not counted in ClinVar's aggregate classification.

NM_022132.5(MCCC2):c.1571C>T (p.Ala524Val)

Gene: MCCC2 (methylcrotonyl-CoA carboxylase subunit 2; plus strand). Cytogenetic location: 5q13.2.
Variant type: single nucleotide variant.
Coding change: c.1571C>T on transcript NM_022132.5 (MANE Select); coding-DNA position 1571, C replaced by T.
Protein change: p.Ala524Val; replaces alanine 524 with valine.
Molecular consequence: missense variant.
Genome position (GRCh38, 1-based): chr5:71,652,751, C>T. VCF-style: chr5-71652751-C-T. GRCh37 (hg19) VCF-style: chr5-70948578-C-T.
Other names: c.1457C>T, p.Ala486Val (NM_001363147.1); c.1571C>T (NM_022132.4); short protein forms A486V, A524V.
Identifiers: ClinVar variation 3638481 (VCV003638481.3).
Genomic context (GRCh38, chr5:71,652,751, plus strand): 5'-CTTTAAAAGAGCCCATCATTAAGAAGTTTGAAGAGGAAGGAAACCCTTACTATTCCAGCG[C>T]AAGGTGGGGGCCAGAACATCACTAACTCTCTGATGGGTGCAGATGGCAGTCAGAGGAACA-3'
Protein context (NP_071415.1, residues 514-534): EEEGNPYYSS[Ala524Val]RVWDDGIIDP